The following is an entry in ClinVar:

ClinVar aggregate classification (germline): Likely benign. Review status: criteria provided, multiple submitters, no conflicts (2 of 4 stars). 8 submissions from 8 submitters: Likely benign (8). Last evaluated 2026-05-25.

Conditions:
ATM-related disorder. Also called: ATM-related disorders; ATM-related condition.
Hereditary cancer-predisposing syndrome. Also called: Neoplastic Syndromes, Hereditary; Tumor predisposition; Hereditary Cancer Syndrome; Hereditary neoplastic syndrome. Identifiers: Orphanet 140162, MedGen C0027672, MeSH D009386, MONDO:0015356.
Familial cancer of breast. Also called: hereditary breast carcinoma; BREAST CANCER, FAMILIAL; Hereditary breast cancer. Identifiers: Orphanet 227535, MedGen C0346153, MONDO:0016419, OMIM 114480. Disease mechanism: loss of function.
Ataxia-telangiectasia syndrome (AT). Also called: Cerebello-oculocutaneous telangiectasia; Immunodeficiency with ataxia telangiectasia; ATAXIA-TELANGIECTASIA, COMPLEMENTATION GROUP A; ATAXIA-TELANGIECTASIA, FRESNO VARIANT; Ataxia-telangiectasia; Ataxia-telangiectasia, complementation group E. Identifiers: Orphanet 100, MedGen C0004135, MONDO:0008840, OMIM 208900.

gnomAD v4.1: 11 of 1,613,526 alleles (0.00068%); highest among the groups gnomAD compares: African/African-American, 0.0013%; no homozygotes.

Submissions (8):

PreventionGenetics, part of Exact Sciences
Classification: Likely benign for ATM-related condition. Last evaluated: 2026-05-25. Review status: criteria provided, single submitter. Criteria: ACMG Guidelines, 2015. Collection method: clinical testing. Allele origin: germline.
Comment: This variant is classified as likely benign based on ACMG/AMP sequence variant interpretation guidelines (Richards et al. 2015 PMID: 25741868, with internal and published modifications).

Labcorp Genetics (formerly Invitae), Labcorp
Classification: Likely benign for Ataxia-telangiectasia syndrome. Last evaluated: 2026-02-02. Review status: criteria provided, single submitter. Criteria: Invitae Variant Classification Sherloc (09022015). Collection method: clinical testing. Allele origin: germline.

Center for Genomic Medicine, Rigshospitalet, Copenhagen University Hospital
Classification: Likely benign. Last evaluated: 2025-12-29. Review status: criteria provided, single submitter. Criteria: ACMG Guidelines, 2015. Collection method: clinical testing. Allele origin: germline.

Myriad Genetics, Inc.
Classification: Likely benign for Familial cancer of breast. Last evaluated: 2024-05-13. Review status: criteria provided, single submitter. Criteria: Myriad Autosomal Dominant, Autosomal Recessive and X-Linked Classification Criteria (2023). Collection method: clinical testing. Allele origin: unknown.
Comment: This variant is considered likely benign. This variant is intronic and is not expected to impact mRNA splicing.

Color Diagnostics, LLC DBA Color Health
Classification: Likely benign for Hereditary cancer-predisposing syndrome. Last evaluated: 2024-01-05. Review status: criteria provided, single submitter. Criteria: ACMG Guidelines, 2015. Collection method: clinical testing. Allele origin: germline.

Blueprint Genetics
Classification: Likely benign. Last evaluated: 2023-08-28. Review status: criteria provided, single submitter. Criteria: ACMG Guidelines, 2015. Collection method: clinical testing. Allele origin: germline.

Ambry Genetics
Classification: Likely benign for Hereditary cancer-predisposing syndrome. Last evaluated: 2022-10-04. Review status: criteria provided, single submitter. Criteria: Ambry Variant Classification Scheme 2023. Collection method: clinical testing. Allele origin: germline.

GeneDx
Classification: Likely benign. Last evaluated: 2020-05-27. Review status: criteria provided, single submitter. Criteria: GeneDx Variant Classification Process June 2021. Collection method: clinical testing. Allele origin: germline. Affected: yes.

NM_000051.4(ATM):c.3154-4G>T

Gene: ATM (ATM serine/threonine kinase; plus strand). Cytogenetic location: 11q22.3.
Variant type: single nucleotide variant.
Coding change: c.3154-4G>T on transcript NM_000051.4 (MANE Select); 4 bases into the intron before coding-DNA position 3154, G replaced by T.
Molecular consequence: intron variant.
Genome position (GRCh38, 1-based): chr11:108,272,718, G>T. VCF-style: chr11-108272718-G-T. GRCh37 (hg19) VCF-style: chr11-108143445-G-T.
Other names: c.3154-4G>T (NM_001351834.2).
Identifiers: ClinVar variation 233588 (VCV000233588.23), dbSNP rs199543313, ClinGen allele CA6265216.